The following is an entry in ClinVar:

ClinVar aggregate classification (germline): Uncertain significance. Review status: criteria provided, multiple submitters, no conflicts (2 of 4 stars). 3 submissions from 3 submitters: Uncertain significance (3). Last evaluated 2024-11-25.

Allele frequency attached by ClinVar (database versions not stated): gnomAD exomes below 0.00001; gnomAD 0.00001.
gnomAD v4.1: 3 of 1,613,996 alleles (0.00019%); highest among the groups gnomAD compares: African/African-American, 0.004%; no homozygotes.

Submissions (3):

Ambry Genetics
Classification: Uncertain significance. Last evaluated: 2024-11-25. Review status: criteria provided, single submitter. Criteria: Ambry Variant Classification Scheme 2023. Collection method: clinical testing. Allele origin: germline.
Comment: The p.G188A variant (also known as c.563G>C), located in coding exon 5 of the SRP72 gene, results from a G to C substitution at nucleotide position 563. The glycine at codon 188 is replaced by alanine, an amino acid with similar properties. This amino acid position is conserved. In addition, this alteration is predicted to be deleterious by in silico analysis. Based on the available evidence, the clinical significance of this variant remains unclear.

Blueprint Genetics
Classification: Uncertain significance. Last evaluated: 2023-12-12. Review status: criteria provided, single submitter. Criteria: ACMG Guidelines, 2015. Collection method: clinical testing. Allele origin: germline.

Labcorp Genetics (formerly Invitae), Labcorp
Classification: Uncertain significance. Last evaluated: 2022-08-28. Review status: criteria provided, single submitter. Criteria: Invitae Variant Classification Sherloc (09022015). Collection method: clinical testing. Allele origin: germline.
Comment: In summary, the available evidence is currently insufficient to determine the role of this variant in disease. Therefore, it has been classified as a Variant of Uncertain Significance. Algorithms developed to predict the effect of missense changes on protein structure and function are either unavailable or do not agree on the potential impact of this missense change (SIFT: "Tolerated"; PolyPhen-2: "Possibly Damaging"; Align-GVGD: "Class C0"). This variant has not been reported in the literature in individuals affected with SRP72-related conditions. This variant is present in population databases (no rsID available, gnomAD 0.007%). This sequence change replaces glycine, which is neutral and non-polar, with alanine, which is neutral and non-polar, at codon 188 of the SRP72 protein (p.Gly188Ala).

NM_006947.4(SRP72):c.563G>C (p.Gly188Ala)

Gene: SRP72 (signal recognition particle 72; plus strand). Cytogenetic location: 4q12.
Variant type: single nucleotide variant.
Coding change: c.563G>C on transcript NM_006947.4 (MANE Select); coding-DNA position 563, G replaced by C.
Protein change: p.Gly188Ala; replaces glycine 188 with alanine.
Molecular consequence: missense variant. On other transcripts: non-coding transcript variant (1).
Genome position (GRCh38, 1-based): chr4:56,474,344, G>C. VCF-style: chr4-56474344-G-C. GRCh37 (hg19) VCF-style: chr4-57340510-G-C.
Other names: c.563G>C (NM_006947.3); c.563G>C, p.Gly188Ala (NM_001267722.2); short protein forms G188A.
Identifiers: ClinVar variation 1965835 (VCV001965835.7), dbSNP rs75524474, ClinGen allele CA356997047.